The following is an entry in ClinVar:

ClinVar aggregate classification (germline): Likely benign. Review status: criteria provided, single submitter (1 of 4 stars). 2 submissions from 2 submitters: Likely benign (1). 1 of the submissions does not count toward it. Last evaluated 2023-03-15.

Conditions:
PCNT-related disorder. Also called: PCNT-related condition.

Submissions (2):

Labcorp Genetics (formerly Invitae), Labcorp
Classification: Likely benign. Last evaluated: 2023-03-15. Review status: criteria provided, single submitter. Criteria: Invitae Variant Classification Sherloc (09022015). Collection method: clinical testing. Allele origin: germline.

PreventionGenetics, part of Exact Sciences
Classification: Likely benign for PCNT-related condition. Last evaluated: 2023-03-25. Review status: no assertion criteria provided. Collection method: clinical testing. Allele origin: germline. Not counted in ClinVar's aggregate classification.
Comment: This variant is classified as likely benign based on ACMG/AMP sequence variant interpretation guidelines (Richards et al. 2015 PMID: 25741868, with internal and published modifications).

NM_006031.6(PCNT):c.6126C>T (p.Arg2042=)

Gene: PCNT (pericentrin; plus strand). Cytogenetic location: 21q22.3.
Variant type: single nucleotide variant.
Coding change: c.6126C>T on transcript NM_006031.6 (MANE Select); coding-DNA position 6126, C replaced by T.
Protein change: p.Arg2042=; no amino-acid change (arginine 2042 retained).
Molecular consequence: synonymous variant.
Genome position (GRCh38, 1-based): chr21:46,412,968, C>T. VCF-style: chr21-46412968-C-T. GRCh37 (hg19) VCF-style: chr21-47832882-C-T.
Other names: c.6126C>T (NM_006031.5); c.5772C>T, p.Arg1924= (NM_001315529.2).
Identifiers: ClinVar variation 2868084 (VCV002868084.4), dbSNP rs2518783063, ClinGen allele CA512732766.